The following is an entry in ClinVar:

ClinVar aggregate classification (germline): Conflicting classifications of pathogenicity. Review status: criteria provided, conflicting classifications (1 of 4 stars). 5 submissions from 5 submitters: Uncertain significance (4); Likely benign (1). Last evaluated 2026-02-10.

Conditions:
KIF1A-related disorder. Also called: KIF1A-related disorders; KIF1A-related condition.
Hereditary spastic paraplegia 30. Identifiers: Orphanet 101010, MedGen C5235139, MONDO:0012476.
Neuropathy, hereditary sensory, type 2C. Also called: KIF1A-Related HSAN2 (HSAN2C); Hereditary sensory and autonomic neuropathy type IIC. Identifiers: Orphanet 970, MedGen C3280168, MONDO:0013634, OMIM 614213.
Intellectual disability, autosomal dominant 9 (NESCAVS). Also called: NESCAV SYNDROME; KIF1A-Related Neurodevelopmental Disorder. Identifiers: Orphanet 662367, MedGen C5393830, MONDO:0013656, OMIM 614255.

Allele frequency attached by ClinVar (database versions not stated): gnomAD exomes below 0.00001 and 0.00001; ExAC 0.00001.
gnomAD v4.1: 9 of 1,613,652 alleles (0.00056%); highest among the groups gnomAD compares: Non-Finnish European, 0.00076%; no homozygotes.

Submissions (5):

PreventionGenetics, part of Exact Sciences
Classification: Uncertain significance for KIF1A-related condition. Last evaluated: 2026-02-10. Review status: criteria provided, single submitter. Criteria: ACMG Guidelines, 2015. Collection method: clinical testing. Allele origin: germline.
Comment: The KIF1A c.3931G>A variant is predicted to result in the amino acid substitution p.Glu1311Lys. To our knowledge, this variant has not been reported in the literature. This variant is reported in 0.00088% of alleles in individuals of European (Non-Finnish) descent in gnomAD. At this time, the clinical significance of this variant is uncertain due to the absence of conclusive functional and genetic evidence.

Labcorp Genetics (formerly Invitae), Labcorp
Classification: Likely benign for Hereditary spastic paraplegia 30; Neuropathy, hereditary sensory, type 2C; Intellectual disability, autosomal dominant 9. Last evaluated: 2025-03-09. Review status: criteria provided, single submitter. Criteria: Invitae Variant Classification Sherloc (09022015). Collection method: clinical testing. Allele origin: germline.

GeneDx
Classification: Uncertain significance. Last evaluated: 2024-12-05. Review status: criteria provided, single submitter. Criteria: GeneDx Variant Classification Process June 2021. Collection method: clinical testing. Allele origin: germline. Affected: yes.
Comment: In silico analysis supports that this missense variant has a deleterious effect on protein structure/function; Has not been previously published as pathogenic or benign to our knowledge

Blueprint Genetics
Classification: Uncertain significance. Last evaluated: 2023-11-14. Review status: criteria provided, single submitter. Criteria: ACMG Guidelines, 2015. Collection method: clinical testing. Allele origin: germline.

CeGaT Center for Human Genetics Tuebingen
Classification: Uncertain significance. Last evaluated: 2021-09-01. Review status: criteria provided, single submitter. Criteria: CeGaT Center For Human Genetics Tuebingen Variant Classification Criteria Version 2. Collection method: clinical testing. Allele origin: germline. Affected: yes. Observed: 1 variant allele.

NM_001244008.2(KIF1A):c.3931G>A (p.Glu1311Lys)

Gene: KIF1A (kinesin family member 1A; minus strand). Cytogenetic location: 2q37.3.
Variant type: single nucleotide variant.
Coding change: c.3931G>A on transcript NM_001244008.2 (MANE Select); coding-DNA position 3931, G replaced by A.
Protein change: p.Glu1311Lys; replaces glutamic acid 1311 with lysine.
Molecular consequence: missense variant.
Genome position (GRCh38, 1-based): chr2:240,737,139, C>T on the plus strand (G>A on the coding strand, the complement: KIF1A is on the minus strand). VCF-style: chr2-240737139-C-T. GRCh37 (hg19) VCF-style: chr2-241676556-C-T.
Other names: c.3655G>A, p.Glu1219Lys (NM_001320705.2, NM_001330289.2, NM_001379638.1); c.3730G>A, p.Glu1244Lys (NM_001330290.2, NM_001379634.1, NM_001379635.1 and 1 more transcripts); c.4006G>A, p.Glu1336Lys (NM_001379631.1); c.3880G>A, p.Glu1294Lys (NM_001379632.1); c.3904G>A, p.Glu1302Lys (NM_001379633.1, NM_001379642.1, NM_001379645.1); c.3742G>A, p.Glu1248Lys (NM_001379636.1); c.3703G>A, p.Glu1235Lys (NM_001379637.1, NM_001379648.1); c.3628G>A, p.Glu1210Lys (NM_001379639.1, NM_001379641.1, NM_001379649.1 and 4 more transcripts); and 3 more; short protein forms E1209K, E1210K, E1219K, E1235K, E1244K, E1248K, E1294K, E1302K.
Identifiers: ClinVar variation 1176755 (VCV001176755.45), dbSNP rs778239281, ClinGen allele CA2207574.